The following is an entry in ClinVar:

ClinVar aggregate classification (germline): Uncertain significance (1 of 4 stars; one submission).

gnomAD v4.1: 1 of 1,614,012 alleles (0.000062%); highest among the groups gnomAD compares: Non-Finnish European, 0.000085%; no homozygotes.

Submission:

Labcorp Genetics (formerly Invitae), Labcorp
Classification: Uncertain significance. Last evaluated: 2025-09-25. Review status: criteria provided, single submitter. Criteria: Invitae Variant Classification Sherloc (09022015). Collection method: clinical testing. Allele origin: germline.
Comment: This sequence change replaces glutamic acid, which is acidic and polar, with alanine, which is neutral and non-polar, at codon 4367 of the ANK3 protein (p.Glu4367Ala). This variant is not present in population databases (gnomAD no frequency). This variant has not been reported in the literature in individuals affected with ANK3-related conditions. An algorithm developed to predict the effect of missense changes on protein structure and function (PolyPhen-2) suggests that this variant is likely to be disruptive. In summary, the available evidence is currently insufficient to determine the role of this variant in disease. Therefore, it has been classified as a Variant of Uncertain Significance.

NM_020987.5(ANK3):c.13100A>C (p.Glu4367Ala)

Gene: ANK3 (ankyrin 3; minus strand). Cytogenetic location: 10q21.2.
Variant type: single nucleotide variant.
Coding change: c.13100A>C on transcript NM_020987.5 (MANE Select); coding-DNA position 13100, A replaced by C.
Protein change: p.Glu4367Ala; replaces glutamic acid 4367 with alanine.
Molecular consequence: missense variant.
Genome position (GRCh38, 1-based): chr10:60,042,725, T>G on the plus strand (A>C on the coding strand, the complement: ANK3 is on the minus strand). VCF-style: chr10-60042725-T-G. GRCh37 (hg19) VCF-style: chr10-61802483-T-G.
Other names: c.2972A>C, p.Glu991Ala (NM_001149.4); c.5552A>C, p.Glu1851Ala (NM_001204403.2); c.5573A>C, p.Glu1858Ala (NM_001204404.2); c.5570A>C, p.Glu1857Ala (NM_001320874.2); short protein forms E1851A, E1857A, E1858A, E991A, E4367A.
Identifiers: ClinVar variation 4719967 (VCV004719967.1).